The following is an entry in ClinVar:

ClinVar aggregate classification (germline): Uncertain significance (1 of 4 stars; one submission).

Allele frequency attached by ClinVar (database versions not stated): TOPMed below 0.00001; gnomAD 0.00001.
gnomAD v4.1: 5 of 1,607,664 alleles (0.00031%); highest among the groups gnomAD compares: Non-Finnish European, 0.00042%; no homozygotes.

Submission:

Labcorp Genetics (formerly Invitae), Labcorp
Classification: Uncertain significance. Last evaluated: 2020-09-23. Review status: criteria provided, single submitter. Criteria: Invitae Variant Classification Sherloc (09022015). Collection method: clinical testing. Allele origin: germline.
Comment: In summary, the available evidence is currently insufficient to determine the role of this variant in disease. Therefore, it has been classified as a Variant of Uncertain Significance. Algorithms developed to predict the effect of missense changes on protein structure and function are either unavailable or do not agree on the potential impact of this missense change (SIFT: "Tolerated"; PolyPhen-2: "Not Available"; Align-GVGD: "Class C0"). This variant has not been reported in the literature in individuals with FGFR3-related conditions. This variant is present in population databases (rs768644781, ExAC 0.003%). This sequence change replaces proline with arginine at codon 796 of the FGFR3 protein (p.Pro796Arg). The proline residue is weakly conserved and there is a moderate physicochemical difference between proline and arginine.

NM_000142.5(FGFR3):c.2387C>G (p.Pro796Arg)

Gene: FGFR3 (fibroblast growth factor receptor 3; plus strand). Cytogenetic location: 4p16.3.
Variant type: single nucleotide variant.
Coding change: c.2387C>G on transcript NM_000142.5 (MANE Select); coding-DNA position 2387, C replaced by G.
Protein change: p.Pro796Arg; replaces proline 796 with arginine.
Molecular consequence: missense variant. On other transcripts: synonymous variant (1), non-coding transcript variant (1).
Genome position (GRCh38, 1-based): chr4:1,807,228, C>G. VCF-style: chr4-1807228-C-G. GRCh37 (hg19) VCF-style: chr4-1808955-C-G.
Other names: c.2393C>G, p.Pro798Arg (NM_001163213.2); c.2390C>G, p.Pro797Arg (NM_001354809.2); c.2319C>G, p.Pro773= (NM_001354810.2); c.2051C>G, p.Pro684Arg (NM_022965.4); short protein forms P684R, P796R, P797R, P798R.
Identifiers: ClinVar variation 1680147 (VCV001680147.8), dbSNP rs768644781, ClinGen allele CA2810862.